The following is an entry in ClinVar:

ClinVar aggregate classification (germline): Uncertain significance (1 of 4 stars; one submission).

Allele frequency attached by ClinVar (database versions not stated): gnomAD exomes below 0.00001.

Submission:

Labcorp Genetics (formerly Invitae), Labcorp
Classification: Uncertain significance. Last evaluated: 2022-11-29. Review status: criteria provided, single submitter. Criteria: Invitae Variant Classification Sherloc (09022015). Collection method: clinical testing. Allele origin: germline.
Comment: This sequence change replaces aspartic acid, which is acidic and polar, with asparagine, which is neutral and polar, at codon 347 of the NR2E3 protein (p.Asp347Asn). This variant is not present in population databases (gnomAD no frequency). This variant has not been reported in the literature in individuals affected with NR2E3-related conditions. Advanced modeling of protein sequence and biophysical properties (such as structural, functional, and spatial information, amino acid conservation, physicochemical variation, residue mobility, and thermodynamic stability) performed at Invitae indicates that this missense variant is not expected to disrupt NR2E3 protein function. In summary, the available evidence is currently insufficient to determine the role of this variant in disease. Therefore, it has been classified as a Variant of Uncertain Significance.

NM_014249.4(NR2E3):c.1039G>A (p.Asp347Asn)

Gene: NR2E3 (nuclear receptor subfamily 2 group E member 3; plus strand). Cytogenetic location: 15q23.
Variant type: single nucleotide variant.
Coding change: c.1039G>A on transcript NM_014249.4 (MANE Select); coding-DNA position 1039, G replaced by A.
Protein change: p.Asp347Asn; replaces aspartic acid 347 with asparagine.
Molecular consequence: missense variant.
Genome position (GRCh38, 1-based): chr15:71,814,056, G>A. VCF-style: chr15-71814056-G-A. GRCh37 (hg19) VCF-style: chr15-72106397-G-A.
Other names: c.1039G>A, p.Asp347Asn (NM_016346.4); short protein forms D347N.
Identifiers: ClinVar variation 2817299 (VCV002817299.3), dbSNP rs2543257249, ClinGen allele CA393039292.